The following is an entry in ClinVar:

ClinVar aggregate classification (germline): Conflicting classifications of pathogenicity. Review status: criteria provided, conflicting classifications (1 of 4 stars). 2 submissions from 2 submitters: Uncertain significance (1); Likely benign (1). Last evaluated 2025-07-30.

Conditions:
Inborn genetic diseases. Identifiers: MedGen C0950123, MeSH D030342.

Allele frequency attached by ClinVar (database versions not stated): gnomAD exomes 0.00001; ExAC 0.00002; TOPMed 0.00002.
gnomAD v4.1: 17 of 1,613,436 alleles (0.0011%); highest among the groups gnomAD compares: Middle Eastern, 0.049%; no homozygotes.

Submissions (2):

Labcorp Genetics (formerly Invitae), Labcorp
Classification: Uncertain significance. Last evaluated: 2025-07-30. Review status: criteria provided, single submitter. Criteria: Invitae Variant Classification Sherloc (09022015). Collection method: clinical testing. Allele origin: germline.
Comment: This sequence change affects codon 178 of the MYH3 mRNA. It is a 'silent' change, meaning that it does not change the encoded amino acid sequence of the MYH3 protein. It affects a nucleotide within the consensus splice site. This variant is present in population databases (rs768779720, gnomAD 0.004%). This variant has not been reported in the literature in individuals affected with MYH3-related conditions. ClinVar contains an entry for this variant (Variation ID: 2053292). Algorithms developed to predict the effect of sequence changes on RNA splicing suggest that this variant is not likely to affect RNA splicing. In summary, the available evidence is currently insufficient to determine the role of this variant in disease. Therefore, it has been classified as a Variant of Uncertain Significance.

Ambry Genetics
Classification: Likely benign for Inborn genetic diseases. Last evaluated: 2024-07-26. Review status: criteria provided, single submitter. Criteria: Ambry Variant Classification Scheme 2023. Collection method: clinical testing. Allele origin: germline.

NM_002470.4(MYH3):c.534C>T (p.Thr178=)

Gene: MYH3 (myosin heavy chain 3; minus strand). Cytogenetic location: 17p13.1.
Variant type: single nucleotide variant.
Coding change: c.534C>T on transcript NM_002470.4 (MANE Select); coding-DNA position 534, C replaced by T.
Protein change: p.Thr178=; no amino-acid change (threonine 178 retained).
Molecular consequence: synonymous variant.
Genome position (GRCh38, 1-based): chr17:10,649,685, G>A on the plus strand (C>T on the coding strand, the complement: MYH3 is on the minus strand). VCF-style: chr17-10649685-G-A. GRCh37 (hg19) VCF-style: chr17-10553002-G-A.
Other names: c.534C>T (NM_002470.3).
Identifiers: ClinVar variation 2053292 (VCV002053292.5), dbSNP rs768779720, ClinGen allele CA8393222.